The following is an entry in ClinVar:

ClinVar aggregate classification (germline): Uncertain significance (1 of 4 stars; one submission).

Conditions:
Cataract 5 multiple types (CTRCT5). Also called: CATARACT, MARNER TYPE; CATARACT 5, LAMELLAR; Lamellar cataract. Identifiers: Orphanet 91492, MedGen C0266537, MONDO:0007290, OMIM 116800, HP:0007971.

Submission:

Labcorp Genetics (formerly Invitae), Labcorp
Classification: Uncertain significance for Cataract 5 multiple types. Last evaluated: 2024-10-14. Review status: criteria provided, single submitter. Criteria: Invitae Variant Classification Sherloc (09022015). Collection method: clinical testing. Allele origin: germline.
Comment: This sequence change replaces glutamic acid, which is acidic and polar, with aspartic acid, which is acidic and polar, at codon 11 of the HSF4 protein (p.Glu11Asp). This variant is not present in population databases (gnomAD no frequency). This variant has not been reported in the literature in individuals affected with HSF4-related conditions. An algorithm developed to predict the effect of missense changes on protein structure and function (PolyPhen-2) suggests that this variant is likely to be tolerated. In summary, the available evidence is currently insufficient to determine the role of this variant in disease. Therefore, it has been classified as a Variant of Uncertain Significance.

NM_001374675.1(HSF4):c.33G>T (p.Glu11Asp)

Genes: HSF4 (heat shock transcription factor 4; plus strand), LOC125177334 (Sharpr-MPRA regulatory region 11796; plus strand). Cytogenetic location: 16q22.1.
Variant type: single nucleotide variant.
Coding change: c.33G>T on transcript NM_001374675.1 (MANE Select); coding-DNA position 33, G replaced by T.
Protein change: p.Glu11Asp; replaces glutamic acid 11 with aspartic acid.
Molecular consequence: missense variant.
Genome position (GRCh38, 1-based): chr16:67,164,844, G>T. VCF-style: chr16-67164844-G-T. GRCh37 (hg19) VCF-style: chr16-67198747-G-T.
Other names: c.33G>T, p.Glu11Asp (NM_001040667.3, NM_001374674.1, NM_001538.4); short protein forms E11D.
Identifiers: ClinVar variation 2728063 (VCV002728063.3), dbSNP rs2507002054, ClinGen allele CA396261445.
Genomic context (GRCh38, chr16:67,164,844, plus strand): 5'-GAGCGCAGAGCCGGGCCGAGACTGCACCATGCAGGAAGCGCCAGCTGCGCTGCCCACGGA[G>T]CCAGGCCCCAGCCCCGTGCCTGCCTTCCTCGGCAAGCTATGGGCGCTGGTGGGGGACCCA-3'
Protein context (NP_001361604.1, residues 1-21): MQEAPAALPT[Glu11Asp]PGPSPVPAFL